The following is an entry in ClinVar:

ClinVar aggregate classification (germline): Uncertain significance (1 of 4 stars; one submission).

Conditions:
Idiopathic generalized epilepsy. Also called: EIG; Generalised epilepsy. Identifiers: MedGen C0270850, MONDO:0005579, OMIM 600669.

Submission:

Labcorp Genetics (formerly Invitae), Labcorp
Classification: Uncertain significance for Idiopathic generalized epilepsy. Last evaluated: 2020-05-06. Review status: criteria provided, single submitter. Criteria: Invitae Variant Classification Sherloc (09022015). Collection method: clinical testing. Allele origin: germline.
Comment: This variant is not present in population databases (ExAC no frequency). In summary, the available evidence is currently insufficient to determine the role of this variant in disease. Therefore, it has been classified as a Variant of Uncertain Significance. Algorithms developed to predict the effect of missense changes on protein structure and function (SIFT, PolyPhen-2, Align-GVGD) all suggest that this variant is likely to be tolerated, but these predictions have not been confirmed by published functional studies and their clinical significance is uncertain. This variant has not been reported in the literature in individuals with RBFOX3-related conditions. This sequence change replaces glutamic acid with lysine at codon 263 of the RBFOX3 protein (p.Glu263Lys). The glutamic acid residue is highly conserved and there is a small physicochemical difference between glutamic acid and lysine.

NM_001350451.2(RBFOX3):c.928G>A (p.Glu310Lys)

Gene: RBFOX3 (RNA binding fox-1 homolog 3; minus strand). Cytogenetic location: 17q25.3.
Variant type: single nucleotide variant.
Coding change: c.928G>A on transcript NM_001350451.2 (MANE Select); coding-DNA position 928, G replaced by A.
Protein change: p.Glu310Lys; replaces glutamic acid 310 with lysine.
Molecular consequence: missense variant.
Genome position (GRCh38, 1-based): chr17:79,096,661, C>T on the plus strand (G>A on the coding strand, the complement: RBFOX3 is on the minus strand). VCF-style: chr17-79096661-C-T. GRCh37 (hg19) VCF-style: chr17-77092743-C-T.
Other names: c.787G>A, p.Glu263Lys (NM_001082575.3, NM_001350453.2, NM_001385825.1 and 16 more transcripts); c.928G>A, p.Glu310Lys (NM_001385804.1, NM_001385805.1, NM_001385807.1 and 14 more transcripts); c.925G>A, p.Glu309Lys (NM_001385806.1, NM_001385822.1, NM_001385823.1); c.835G>A, p.Glu279Lys (NM_001385824.1); c.808G>A, p.Glu270Lys (NM_001385827.1); c.784G>A, p.Glu262Lys (NM_001385843.1, NM_001385844.1, NM_001385845.1 and 1 more transcripts); c.640G>A, p.Glu214Lys (NM_001385847.1); short protein forms E214K, E262K, E263K, E270K, E279K, E309K, E310K.
Identifiers: ClinVar variation 1014278 (VCV001014278.8), dbSNP rs2075332971, ClinGen allele CA401315965.
Genomic context (GRCh38, chr17:79,096,661, plus strand): 5'-AGACCCACAGAACGCCTGATCCCACCCTCCCTCCCGGCGGGGCTACACTTACATAAATCT[C>T]AGCACCATAAAATCCATCCTGATACACGACCCTGGAAGCAAACGGACAAGAAAGTGGTGG-3'
Protein context (NP_001337380.1, residues 300-320): VVYQDGFYGA[Glu310Lys]IYGGYAAYRY